The following is an entry in ClinVar:

NM_001942.4(DSG1):c.776T>G (p.Ile259Ser)

Gene: DSG1 (desmoglein 1; plus strand). Cytogenetic location: 18q12.1.
Variant type: single nucleotide variant.
Coding change: c.776T>G on transcript NM_001942.4 (MANE Select); coding-DNA position 776, T replaced by G.
Protein change: p.Ile259Ser; replaces isoleucine 259 with serine.
Molecular consequence: missense variant.
Genome position (GRCh38, 1-based): chr18:31,333,680, T>G. VCF-style: chr18-31333680-T-G. GRCh37 (hg19) VCF-style: chr18-28913643-T-G.
Other names: short protein forms I259S.
Identifiers: ClinVar variation 2840804 (VCV002840804.3), dbSNP rs2144095546, ClinGen allele CA402130407.

ClinVar aggregate classification (germline): Uncertain significance (1 of 4 stars; one submission).

Allele frequency attached by ClinVar (database versions not stated): gnomAD 0.00001; 1000 Genomes Project 30x 0.00016.
gnomAD v4.1: 1 of 1,613,818 alleles (0.000062%); highest among the groups gnomAD compares: Admixed American, 0.0017%; no homozygotes.

Submission:

Labcorp Genetics (formerly Invitae), Labcorp
Classification: Uncertain significance. Last evaluated: 2023-02-25. Review status: criteria provided, single submitter. Criteria: Invitae Variant Classification Sherloc (09022015). Collection method: clinical testing. Allele origin: germline.
Comment: Advanced modeling of protein sequence and biophysical properties (such as structural, functional, and spatial information, amino acid conservation, physicochemical variation, residue mobility, and thermodynamic stability) performed at Invitae indicates that this missense variant is not expected to disrupt DSG1 protein function. This variant has not been reported in the literature in individuals affected with DSG1-related conditions. This variant is not present in population databases (gnomAD no frequency). This sequence change replaces isoleucine, which is neutral and non-polar, with serine, which is neutral and polar, at codon 259 of the DSG1 protein (p.Ile259Ser). In summary, the available evidence is currently insufficient to determine the role of this variant in disease. Therefore, it has been classified as a Variant of Uncertain Significance.